The following is an entry in ClinVar:

ClinVar aggregate classification (germline): Pathogenic. Review status: criteria provided, multiple submitters, no conflicts (2 of 4 stars). 3 submissions from 3 submitters: Pathogenic (3). Last evaluated 2025-05-21.

Conditions:
Primary pulmonary hypertension. Also called: Idiopathic pulmonary hypertension. Identifiers: MedGen C0152171.

Submissions (3):

GeneDx
Classification: Pathogenic. Last evaluated: 2025-05-21. Review status: criteria provided, single submitter. Criteria: GeneDx Variant Classification Process June 2021. Collection method: clinical testing. Allele origin: germline. Affected: yes.
Comment: Nonsense variant predicted to result in protein truncation or nonsense mediated decay in a gene for which loss of function is a known mechanism of disease; Not observed at significant frequency in large population cohorts (gnomAD); This variant is associated with the following publications: (PMID: 32547734, 31727138)

Labcorp Genetics (formerly Invitae), Labcorp
Classification: Pathogenic for Primary pulmonary hypertension. Last evaluated: 2024-12-05. Review status: criteria provided, single submitter. Criteria: Invitae Variant Classification Sherloc (09022015). Collection method: clinical testing. Allele origin: germline.
Comment: This sequence change creates a premature translational stop signal (p.Gln238*) in the BMPR2 gene. It is expected to result in an absent or disrupted protein product. Loss-of-function variants in BMPR2 are known to be pathogenic (PMID: 16429395). This variant is not present in population databases (gnomAD no frequency). This premature translational stop signal has been observed in individual(s) with pulmonary arterial hypertension (PMID: 31727138). ClinVar contains an entry for this variant (Variation ID: 618545). For these reasons, this variant has been classified as Pathogenic.

ARUP Laboratories, Molecular Genetics and Genomics, ARUP Laboratories
Classification: Pathogenic. Last evaluated: 2018-01-03. Review status: criteria provided, single submitter. Criteria: ARUP Molecular Germline Variant Investigation Process. Collection method: clinical testing. Allele origin: germline.
Comment: The BMPR2 c.712C>T p.Gln238* variant has not been previously reported in the medical literature, is not listed in gene-specific variant databases, nor has it been previously identified by our laboratory. It is absent from population genetic databases such as the genome Aggregation Database. The variant causes a premature stop codon, predicted to result in a truncated or absent protein product. Truncations and other loss of function variants of BMPR2 have previously been associated with familial primary pulmonary hypertension (Machado 2015). Based on the available evidence, this variant has been classified as pathogenic.

Literature cited by the submitters: PubMed 16429395 (cited by Labcorp Genetics (formerly Invitae), Labcorp); PubMed 31727138 (cited by Labcorp Genetics (formerly Invitae), Labcorp).

NM_001204.7(BMPR2):c.712C>T (p.Gln238Ter)

Gene: BMPR2 (bone morphogenetic protein receptor type 2; plus strand). Cytogenetic location: 2q33.2.
Variant type: single nucleotide variant.
Coding change: c.712C>T on transcript NM_001204.7 (MANE Select); coding-DNA position 712, C replaced by T.
Protein change: p.Gln238Ter; replaces glutamine 238 with a stop codon.
Molecular consequence: nonsense.
Genome position (GRCh38, 1-based): chr2:202,518,912, C>T. VCF-style: chr2-202518912-C-T. GRCh37 (hg19) VCF-style: chr2-203383635-C-T.
Other names: c.712C>T (LRG_712t1); short protein forms Q238*.
Identifiers: ClinVar variation 618545 (VCV000618545.11), dbSNP rs1559062859, ClinGen allele CA350340338.
Genomic context (GRCh38, chr2:202,518,912, plus strand): 5'-TATAAAGGCTCCTTGGATGAGCGTCCAGTTGCTGTAAAAGTGTTTTCCTTTGCAAACCGT[C>T]AGAATTTTATCAACGAAAAGAACATTTACAGAGTGCCTTTGATGGAACATGACAACATTG-3'